The following is an entry in ClinVar:

ClinVar aggregate classification (germline): Uncertain significance (1 of 4 stars; one submission).

Submission:

Labcorp Genetics (formerly Invitae), Labcorp
Classification: Uncertain significance. Last evaluated: 2022-02-15. Review status: criteria provided, single submitter. Criteria: Invitae Variant Classification Sherloc (09022015). Collection method: clinical testing. Allele origin: germline.
Comment: In summary, the available evidence is currently insufficient to determine the role of this variant in disease. Therefore, it has been classified as a Variant of Uncertain Significance. Experimental studies and prediction algorithms are not available or were not evaluated, and the functional significance of this variant is currently unknown. This variant has not been reported in the literature in individuals affected with IRF4-related conditions. This variant results in a copy number gain of the genomic region encompassing exon(s) 2-3 of the IRF4 gene. This region includes the initiator codon of the gene. This copy number gain extends beyond the assayed region for this gene and therefore may encompass additional genes. As the precise location of this event is unknown, it may be in tandem or it may be located elsewhere in the genome.

NC_000006.11:g.(?_393153)_(395027_?)dup

Gene: IRF4 (interferon regulatory factor 4; plus strand). Cytogenetic location: 6p25.3.
Variant type: Duplication.
Identifiers: ClinVar variation 2424454 (VCV002424454.4).